The following is an entry in ClinVar:

NM_001999.4(FBN2):c.3928T>G (p.Cys1310Gly)

Gene: FBN2 (fibrillin 2; minus strand). Cytogenetic location: 5q23.3.
Variant type: single nucleotide variant.
Coding change: c.3928T>G on transcript NM_001999.4 (MANE Select); coding-DNA position 3928, T replaced by G.
Protein change: p.Cys1310Gly; replaces cysteine 1310 with glycine.
Molecular consequence: missense variant.
Genome position (GRCh38, 1-based): chr5:128,335,215, A>C on the plus strand (T>G on the coding strand, the complement: FBN2 is on the minus strand). VCF-style: chr5-128335215-A-C. GRCh37 (hg19) VCF-style: chr5-127670907-A-C.
Other names: short protein forms C1310G.
Identifiers: ClinVar variation 4738948 (VCV004738948.1).

ClinVar aggregate classification (germline): Likely pathogenic (1 of 4 stars; one submission).

Conditions:
Congenital contractural arachnodactyly (CCA). Also called: Beals-Hecht syndrome; BEALS SYNDROME; Arthrogryposis, distal, type 9. Identifiers: Orphanet 115, MedGen C0220668, MONDO:0007363, OMIM 121050.

Submission:

Labcorp Genetics (formerly Invitae), Labcorp
Classification: Likely pathogenic for Congenital contractural arachnodactyly. Last evaluated: 2025-05-04. Review status: criteria provided, single submitter. Criteria: Invitae Variant Classification Sherloc (09022015). Collection method: clinical testing. Allele origin: germline.
Comment: This sequence change replaces cysteine, which is neutral and slightly polar, with glycine, which is neutral and non-polar, at codon 1310 of the FBN2 protein (p.Cys1310Gly). This variant is not present in population databases (gnomAD no frequency). This variant has not been reported in the literature in individuals affected with FBN2-related conditions. Invitae Evidence Modeling of protein sequence and biophysical properties (such as structural, functional, and spatial information, amino acid conservation, physicochemical variation, residue mobility, and thermodynamic stability) indicates that this missense variant is expected to disrupt FBN2 protein function with a positive predictive value of 80%. This variant affects a cysteine residue located within an epidermal growth factor (EGF)–like domain of the FBN2 protein. Cysteine residues in these domains are involved in the formation of disulfide bridges critical for protein structure and stability (PMID: 3495735, 4750422, 16677079). In addition, missense substitutions within the FBN2 EGF-like domains affecting cysteine residues are overrepresented in patients with congenital contractural arachnodactyly (PMID: 18767143). In summary, the currently available evidence indicates that the variant is pathogenic, but additional data are needed to prove that conclusively. Therefore, this variant has been classified as Likely Pathogenic.

Literature cited by the submitters: PubMed 3495735; PubMed 4750422; PubMed 16677079; PubMed 18767143.